The following is an entry in ClinVar:

ClinVar aggregate classification (germline): Uncertain significance (1 of 4 stars; one submission).

Conditions:
Triosephosphate isomerase deficiency (TPID). Also called: Triose phosphate isomerase deficiency. Identifiers: Orphanet 868, MedGen C1860808, MONDO:0014221, OMIM 615512.

Submission:

Neuberg Centre For Genomic Medicine, NCGM
Classification: Uncertain significance for Triosephosphate isomerase deficiency. Last evaluated: 2023-06-22. Review status: criteria provided, single submitter. Criteria: ACMG Guidelines, 2015. Collection method: clinical testing. Allele origin: germline. Inheritance: Autosomal recessive inheritance. Affected: yes.
Comment: The inframe deletion c.466_468del (p.Lys156del) variant in TPI1 gene has not been reported previously as a pathogenic variant nor as a benign variant, to our knowledge. The p.Lys156del variant is absent in gnomAD Exomes. This variant has not been submitted to the ClinVar database. This p.Lys156del causes deletion of amino acid Lysine at position 156. For these reasons, this variant has been classified as Variant of Uncertain Significance (VUS).

NM_000365.6(TPI1):c.466_468del (p.Lys156del)

Gene: TPI1 (triosephosphate isomerase 1; plus strand). Cytogenetic location: 12p13.31.
Variant type: Deletion.
Coding change: c.466_468del on transcript NM_000365.6 (MANE Select); coding-DNA positions 466 to 468, 3 bases deleted (AAG; older notation c.466_468delAAG).
Protein change: p.Lys156del; deletes lysine 156.
Molecular consequence: inframe deletion.
Genome position (GRCh38, 1-based): chr12:6,869,696-6,869,698, AAG deleted; deleting any 3 consecutive bases within chr12:6,869,695-6,869,698 gives the same sequence; the c. name uses the placement nearest the transcript's 3' end. VCF-style (leftmost placement, unchanged base first): chr12-6869694-TGAA-T. GRCh37 (hg19) VCF-style: chr12-6978858-TGAA-T.
Other names: c.577_579del, p.Lys193del (NM_001159287.1); c.220_222del, p.Lys74del (NM_001258026.2); short protein forms K156del, K193del, K74del.
Identifiers: ClinVar variation 3603292 (VCV003603292.1).